The following is an entry in ClinVar:

NM_024642.5(GALNT12):c.251T>C (p.Leu84Pro)

Gene: GALNT12 (polypeptide N-acetylgalactosaminyltransferase 12; plus strand). Cytogenetic location: 9q22.33.
Variant type: single nucleotide variant.
Coding change: c.251T>C on transcript NM_024642.5 (MANE Select); coding-DNA position 251, T replaced by C.
Protein change: p.Leu84Pro; replaces leucine 84 with proline.
Molecular consequence: missense variant.
Genome position (GRCh38, 1-based): chr9:98,807,949, T>C. VCF-style: chr9-98807949-T-C. GRCh37 (hg19) VCF-style: chr9-101570231-T-C.
Other names: short protein forms L84P.
Identifiers: ClinVar variation 934892 (VCV000934892.14), dbSNP rs1420976719, ClinGen allele CA374222610.

ClinVar aggregate classification (germline): Uncertain significance. Review status: criteria provided, multiple submitters, no conflicts (2 of 4 stars). 3 submissions from 3 submitters: Uncertain significance (3). Last evaluated 2025-06-07.

Conditions:
Colorectal cancer, susceptibility to, 1. Also called: COLORECTAL ADENOMA AND CANCER, SUSCEPTIBILITY TO; COLORECTAL CANCER, SUSCEPTIBILITY TO, ON CHROMOSOME 9. Identifiers: MedGen C1837315, MONDO:0012132, OMIM 608812.

Allele frequency attached by ClinVar (database versions not stated): TOPMed below 0.00001.

Submissions (3):

Ambry Genetics
Classification: Uncertain significance. Last evaluated: 2025-06-07. Review status: criteria provided, single submitter. Criteria: Ambry Variant Classification Scheme 2023. Collection method: clinical testing. Allele origin: germline.
Comment: The p.L84P variant (also known as c.251T>C), located in coding exon 1 of the GALNT12 gene, results from a T to C substitution at nucleotide position 251. The leucine at codon 84 is replaced by proline, an amino acid with similar properties. This amino acid position is conserved. In addition, the in silico prediction for this alteration is inconclusive. Since supporting evidence is limited at this time, the clinical significance of this alteration remains unclear.

Department of Pathology and Laboratory Medicine, Sinai Health System
Classification: Uncertain significance for Colorectal cancer, susceptibility to, 1. Last evaluated: 2024-12-31. Review status: criteria provided, single submitter. Criteria: ACMG Guidelines, 2015. Collection method: clinical testing. Allele origin: germline.

Labcorp Genetics (formerly Invitae), Labcorp
Classification: Uncertain significance. Last evaluated: 2019-06-24. Review status: criteria provided, single submitter. Criteria: Invitae Variant Classification Sherloc (09022015). Collection method: clinical testing. Allele origin: germline.
Comment: In summary, the available evidence is currently insufficient to determine the role of this variant in disease. Therefore, it has been classified as a Variant of Uncertain Significance. Algorithms developed to predict the effect of missense changes on protein structure and function are either unavailable or do not agree on the potential impact of this missense change (SIFT: "Deleterious"; PolyPhen-2: "Probably Damaging"; Align-GVGD: "Class C0"). This variant has not been reported in the literature in individuals with GALNT12-related conditions. The frequency data for this variant in the population databases is considered unreliable, as metrics indicate insufficient coverage at this position in the ExAC database. This sequence change replaces leucine with proline at codon 84 of the GALNT12 protein (p.Leu84Pro). The leucine residue is weakly conserved and there is a moderate physicochemical difference between leucine and proline.